The following is an entry in ClinVar:

ClinVar aggregate classification (germline): Benign/Likely benign. Review status: criteria provided, multiple submitters, no conflicts (2 of 4 stars). 7 submissions from 7 submitters: Benign (1); Likely benign (5). 1 of the submissions does not count toward it. Last evaluated 2025-12-23.

Conditions:
ATM-related disorder. Also called: ATM-related disorders; ATM-related condition.
Hereditary cancer-predisposing syndrome. Also called: Tumor predisposition; Hereditary neoplastic syndrome; Neoplastic Syndromes, Hereditary; Hereditary Cancer Syndrome. Identifiers: Orphanet 140162, MedGen C0027672, MeSH D009386, MONDO:0015356.
Familial cancer of breast. Also called: hereditary breast carcinoma; Hereditary breast cancer; BREAST CANCER, FAMILIAL. Identifiers: Orphanet 227535, MedGen C0346153, MONDO:0016419, OMIM 114480. Disease mechanism: loss of function.
Ataxia-telangiectasia syndrome (AT). Also called: Ataxia-telangiectasia, complementation group E; AT, COMPLEMENTATION GROUP C; ATAXIA-TELANGIECTASIA, COMPLEMENTATION GROUP A; ATAXIA-TELANGIECTASIA, FRESNO VARIANT; Ataxia-telangiectasia; LOUIS-BAR SYNDROME. Identifiers: Orphanet 100, MedGen C0004135, MONDO:0008840, OMIM 208900.

Allele frequency attached by ClinVar (database versions not stated): ExAC 0.00002; gnomAD exomes 0.00002 and 0.00004; TOPMed 0.00002.
gnomAD v4.1: 13 of 1,614,052 alleles (0.00081%); highest among the groups gnomAD compares: Admixed American, 0.022%; no homozygotes.

Submissions (7):

Labcorp Genetics (formerly Invitae), Labcorp
Classification: Likely benign for Ataxia-telangiectasia syndrome. Last evaluated: 2025-12-23. Review status: criteria provided, single submitter. Criteria: Invitae Variant Classification Sherloc (09022015). Collection method: clinical testing. Allele origin: germline.

Myriad Genetics, Inc.
Classification: Benign for Familial cancer of breast. Last evaluated: 2024-05-13. Review status: criteria provided, single submitter. Criteria: Myriad Autosomal Dominant, Autosomal Recessive and X-Linked Classification Criteria (2023). Collection method: clinical testing. Allele origin: unknown.
Comment: This variant is considered benign. This variant is a silent/synonymous amino acid change and it is not expected to impact splicing.

Women's Health and Genetics/Laboratory Corporation of America, LabCorp
Classification: Likely benign. Last evaluated: 2020-01-31. Review status: criteria provided, single submitter. Criteria: LabCorp Variant Classification Summary - May 2015. Collection method: clinical testing. Allele origin: germline.

GeneDx
Classification: Likely benign. Last evaluated: 2018-02-27. Review status: criteria provided, single submitter. Criteria: GeneDx Variant Classification (06012015). Collection method: clinical testing. Allele origin: germline. Affected: yes.
Comment: This variant is considered likely benign or benign based on one or more of the following criteria: it is a conservative change, it occurs at a poorly conserved position in the protein, it is predicted to be benign by multiple in silico algorithms, and/or has population frequency not consistent with disease.

Color Diagnostics, LLC DBA Color Health
Classification: Likely benign for Hereditary cancer-predisposing syndrome. Last evaluated: 2017-10-23. Review status: criteria provided, single submitter. Criteria: ACMG Guidelines, 2015. Collection method: clinical testing. Allele origin: germline.

Ambry Genetics
Classification: Likely benign for Hereditary cancer-predisposing syndrome. Last evaluated: 2015-06-11. Review status: criteria provided, single submitter. Criteria: Ambry Variant Classification Scheme 2023. Collection method: clinical testing. Allele origin: germline.

PreventionGenetics, part of Exact Sciences
Classification: Likely benign for ATM-related condition. Last evaluated: 2019-06-05. Review status: no assertion criteria provided. Collection method: clinical testing. Allele origin: germline. Not counted in ClinVar's aggregate classification.
Comment: This variant is classified as likely benign based on ACMG/AMP sequence variant interpretation guidelines (Richards et al. 2015 PMID: 25741868, with internal and published modifications).

NM_000051.4(ATM):c.2958T>G (p.Val986=)

Gene: ATM (ATM serine/threonine kinase; plus strand). Cytogenetic location: 11q22.3.
Variant type: single nucleotide variant.
Coding change: c.2958T>G on transcript NM_000051.4 (MANE Select); coding-DNA position 2958, T replaced by G.
Protein change: p.Val986=; no amino-acid change (valine 986 retained).
Molecular consequence: synonymous variant.
Genome position (GRCh38, 1-based): chr11:108,271,287, T>G. VCF-style: chr11-108271287-T-G. GRCh37 (hg19) VCF-style: chr11-108142014-T-G.
Other names: c.2958T>G, p.Val986= (NM_001351834.2).
Identifiers: ClinVar variation 220335 (VCV000220335.19), dbSNP rs745971584, ClinGen allele CA348753.